The following is an entry in ClinVar:

NM_000037.4(ANK1):c.1484A>G (p.Asn495Ser)

Gene: ANK1 (ankyrin 1; minus strand). Cytogenetic location: 8p11.21.
Variant type: single nucleotide variant.
Coding change: c.1484A>G on transcript NM_000037.4 (MANE Select); coding-DNA position 1484, A replaced by G.
Protein change: p.Asn495Ser; replaces asparagine 495 with serine.
Molecular consequence: missense variant.
Genome position (GRCh38, 1-based): chr8:41,715,770, T>C on the plus strand (A>G on the coding strand, the complement: ANK1 is on the minus strand). VCF-style: chr8-41715770-T-C. GRCh37 (hg19) VCF-style: chr8-41573288-T-C.
Other names: c.1583A>G, p.Asn528Ser (NM_001142446.2); c.1484A>G, p.Asn495Ser (NM_020475.3, NM_020476.3, NM_020477.3); short protein forms N495S, N528S.
Identifiers: ClinVar variation 261290 (VCV000261290.26), dbSNP rs142690258, ClinGen allele CA4728601.

ClinVar aggregate classification (germline): Conflicting classifications of pathogenicity. Review status: criteria provided, conflicting classifications (1 of 4 stars). 7 submissions from 6 submitters: Uncertain significance (1); Benign (2); Likely benign (4). Last evaluated 2025-12-01.

Conditions:
Hereditary spherocytosis type 1. Also called: Spherocytosis type 1; ANK1-Related Spherocytosis. Identifiers: Orphanet 822, MedGen C2674218, MONDO:0008447, OMIM 182900.
Spherocytosis. Identifiers: MedGen C0553720, HP:0004444.

Allele frequency attached by ClinVar (database versions not stated): 1000 Genomes Project 30x 0.00016; 1000 Genomes Project 0.00020; gnomAD exomes 0.00088 and 0.00124; ESP Exome Variant Server 0.00100; TOPMed 0.00103; gnomAD 0.00112 and 0.00114; ExAC 0.00169.
gnomAD v4.1: 1,477 of 1,613,944 alleles (0.092%); highest among the groups gnomAD compares: Admixed American, 0.095%; 5 homozygotes.

Submissions (7):

CeGaT Center for Human Genetics Tuebingen
Classification: Likely benign. Last evaluated: 2025-12-01. Review status: criteria provided, single submitter. Criteria: CeGaT Center For Human Genetics Tuebingen Variant Classification Criteria Version 2. Collection method: clinical testing. Allele origin: germline. Affected: yes. Observed: 1 variant allele.
Comment: ANK1: BP4, BS2

Labcorp Genetics (formerly Invitae), Labcorp
Classification: Benign. Last evaluated: 2025-10-06. Review status: criteria provided, single submitter. Criteria: Invitae Variant Classification Sherloc (09022015). Collection method: clinical testing. Allele origin: germline.

Mayo Clinic Laboratories, Mayo Clinic
Classification: Likely benign. Last evaluated: 2025-09-05. Review status: criteria provided, single submitter. Criteria: ACMG Guidelines, 2015. Collection method: clinical testing. Allele origin: germline. Observed: 10 variant alleles.
Comment: BS2, BP4

ARUP Laboratories, Molecular Genetics and Genomics, ARUP Laboratories
Classification: Benign for Hereditary spherocytosis type 1. Last evaluated: 2025-04-01. Review status: criteria provided, single submitter. Criteria: ARUP Molecular Germline Variant Investigation Process 2024. Collection method: clinical testing. Allele origin: germline.

Illumina Laboratory Services, Illumina
Classification: Uncertain significance for Spherocytosis. Last evaluated: 2018-01-12. Review status: criteria provided, single submitter. Criteria: ICSL Variant Classification Criteria 13 December 2019. Collection method: clinical testing. Allele origin: germline.

Illumina Laboratory Services, Illumina
Classification: Likely benign for Hereditary spherocytosis type 1. Last evaluated: 2018-01-12. Review status: criteria provided, single submitter. Criteria: ICSL Variant Classification Criteria 13 December 2019. Collection method: clinical testing. Allele origin: germline.
Comment: This variant was observed in the ICSL laboratory as part of a predisposition screen in an ostensibly healthy population. It had not been previously curated by ICSL or reported in the Human Gene Mutation Database (HGMD: prior to June 1st, 2018), and was therefore a candidate for classification through an automated scoring system. Utilizing variant allele frequency, disease prevalence and penetrance estimates, and inheritance mode, an automated score was calculated to assess if this variant is too frequent to cause the disease. Based on the score and internal cut-off values, a variant classified as likely benign is not then subjected to further curation. The score for this variant resulted in a classification of likely benign for this disease.

PreventionGenetics, part of Exact Sciences
Classification: Likely benign. Review status: criteria provided, single submitter. Criteria: ACMG Guidelines, 2015. Collection method: clinical testing. Allele origin: germline.